The following is an entry in ClinVar:

ClinVar aggregate classification (germline): Uncertain significance (1 of 4 stars; one submission).

Conditions:
Leber congenital amaurosis 8 (LCA8). Identifiers: Orphanet 65, MedGen C3151202, MONDO:0013453, OMIM 613835.
Retinitis pigmentosa 12 (RP12). Also called: RP WITH OR WITHOUT PRESERVED PARAARTERIOLE RETINAL PIGMENT EPITHELIUM; RETINITIS PIGMENTOSA WITH OR WITHOUT PARAARTERIOLAR PRESERVATION OF RETINAL PIGMENT EPITHELIUM; RP WITH OR WITHOUT PPRPE. Identifiers: Orphanet 791, MedGen C1838647, MONDO:0010818, OMIM 600105.

Allele frequency attached by ClinVar (database versions not stated): gnomAD exomes below 0.00001.
gnomAD v4.1: 1 of 1,612,682 alleles (0.000062%); highest among the groups gnomAD compares: Non-Finnish European, 0.000085%; no homozygotes.

Submission:

Labcorp Genetics (formerly Invitae), Labcorp
Classification: Uncertain significance for Leber congenital amaurosis 8; Retinitis pigmentosa 12. Last evaluated: 2022-04-15. Review status: criteria provided, single submitter. Criteria: Invitae Variant Classification Sherloc (09022015). Collection method: clinical testing. Allele origin: germline.
Comment: In summary, the available evidence is currently insufficient to determine the role of this variant in disease. Therefore, it has been classified as a Variant of Uncertain Significance. Variants that disrupt the consensus splice site are a relatively common cause of aberrant splicing (PMID: 17576681, 9536098). Algorithms developed to predict the effect of sequence changes on RNA splicing suggest that this variant is not likely to affect RNA splicing. This variant has not been reported in the literature in individuals affected with CRB1-related conditions. This variant is not present in population databases (gnomAD no frequency). This sequence change falls in intron 7 of the CRB1 gene. It does not directly change the encoded amino acid sequence of the CRB1 protein. It affects a nucleotide within the consensus splice site.

Literature cited by the submitters: PubMed 17576681; PubMed 9536098.

NM_201253.3(CRB1):c.2676+5T>C

Gene: CRB1 (crumbs cell polarity complex component 1; plus strand). Cytogenetic location: 1q31.3.
Variant type: single nucleotide variant.
Coding change: c.2676+5T>C on transcript NM_201253.3 (MANE Select); 5 bases into the intron after coding-DNA position 2676, T replaced by C.
Molecular consequence: intron variant.
Genome position (GRCh38, 1-based): chr1:197,428,006, T>C. VCF-style: chr1-197428006-T-C. GRCh37 (hg19) VCF-style: chr1-197397136-T-C.
Other names: c.2469+5T>C (NM_001257965.2); c.2128+6050T>C (NM_001257966.2); c.2340+5T>C (NM_001193640.2).
Identifiers: ClinVar variation 2100720 (VCV002100720.3), dbSNP rs1664686940, ClinGen allele CA1218066578.